The following is an entry in ClinVar:

ClinVar aggregate classification (germline): Uncertain significance (1 of 4 stars; one submission).

gnomAD v4.1: 15 of 1,613,066 alleles (0.00093%); highest among the groups gnomAD compares: Middle Eastern, 0.049%; no homozygotes.

Submission:

CeGaT Center for Human Genetics Tuebingen
Classification: Uncertain significance. Last evaluated: 2024-07-01. Review status: criteria provided, single submitter. Criteria: CeGaT Center For Human Genetics Tuebingen Variant Classification Criteria Version 2. Collection method: clinical testing. Allele origin: germline. Affected: yes. Observed: 1 variant allele.
Comment: TTN: PM2

NM_001267550.2(TTN):c.68479G>A (p.Gly22827Ser)

Genes: TTN (titin; minus strand), TTN-AS1 (TTN antisense RNA 1; plus strand). Cytogenetic location: 2q31.2.
Variant type: single nucleotide variant.
Coding change: c.68479G>A on transcript NM_001267550.2 (MANE Select); coding-DNA position 68479, G replaced by A.
Protein change: p.Gly22827Ser; replaces glycine 22827 with serine.
Molecular consequence: missense variant.
Genome position (GRCh38, 1-based): chr2:178,578,036, C>T on the plus strand (G>A on the coding strand, the complement: TTN is on the minus strand). VCF-style: chr2-178578036-C-T. GRCh37 (hg19) VCF-style: chr2-179442763-C-T.
Other names: c.63556G>A, p.Gly21186Ser (NM_001256850.1); c.41284G>A, p.Gly13762Ser (NM_003319.4); c.60775G>A, p.Gly20259Ser (NM_133378.4); c.41659G>A, p.Gly13887Ser (NM_133432.3); c.41860G>A, p.Gly13954Ser (NM_133437.4); short protein forms G13762S, G13887S, G13954S, G20259S, G21186S, G22827S.
Identifiers: ClinVar variation 3257130 (VCV003257130.17).
Genomic context (GRCh38, chr2:178,578,036, plus strand): 5'-ATAATGACTTACCAATTGGGTCCAGTGCCACAACAGGCTCTGATGGTAGGCTTGGCTTGC[C>T]CACACCTGCTAAATTGATTGCCATAACTCGGAATTCATATTCAAGACCTTCAGTTAATCC-3'
Protein context (NP_001254479.2, residues 22817-22837): RVMAINLAGV[Gly22827Ser]KPSLPSEPVV